The following is an entry in ClinVar:

NM_015910.7(WDPCP):c.1291T>G (p.Leu431Val)

Gene: WDPCP (WD repeat containing planar cell polarity effector; minus strand). Cytogenetic location: 2p15.
Variant type: single nucleotide variant.
Coding change: c.1291T>G on transcript NM_015910.7 (MANE Select); coding-DNA position 1291, T replaced by G.
Protein change: p.Leu431Val; replaces leucine 431 with valine.
Molecular consequence: missense variant. On other transcripts: non-coding transcript variant (3).
Genome position (GRCh38, 1-based): chr2:63,404,192, A>C on the plus strand (T>G on the coding strand, the complement: WDPCP is on the minus strand). VCF-style: chr2-63404192-A-C. GRCh37 (hg19) VCF-style: chr2-63631327-A-C.
Other names: c.814T>G, p.Leu272Val (NM_001042692.3); c.1219T>G, p.Leu407Val (NM_001354044.2); c.1291T>G, p.Leu431Val (NM_001354045.2); c.1291T>G (NM_015910.5); short protein forms L272V, L407V, L431V.
Identifiers: ClinVar variation 1063474 (VCV001063474.9), dbSNP rs746549040, ClinGen allele CA1682259.

ClinVar aggregate classification (germline): Uncertain significance. Review status: criteria provided, multiple submitters, no conflicts (2 of 4 stars). 3 submissions from 3 submitters: Uncertain significance (3). Last evaluated 2026-06-04.

Conditions:
Inborn genetic diseases. Identifiers: MedGen C0950123, MeSH D030342.
WDPCP-related disorder. Also called: WDPCP-related condition.
Bardet-Biedl syndrome (BBS). Identifiers: Orphanet 110, MedGen C0752166, MONDO:0015229.

Allele frequency attached by ClinVar (database versions not stated): TOPMed below 0.00001; gnomAD 0.00001; gnomAD exomes 0.00001 and 0.00002; ExAC 0.00002.
gnomAD v4.1: 14 of 1,613,912 alleles (0.00087%); highest among the groups gnomAD compares: Middle Eastern, 0.016%; no homozygotes.

Submissions (3):

PreventionGenetics, part of Exact Sciences
Classification: Uncertain significance for WDPCP-related condition. Last evaluated: 2026-06-04. Review status: criteria provided, single submitter. Criteria: ACMG Guidelines, 2015. Collection method: clinical testing. Allele origin: germline.
Comment: The WDPCP c.1291T>G variant is predicted to result in the amino acid substitution p.Leu431Val. To our knowledge, this variant has not been reported in the literature. This variant is reported in 0.0044% of alleles in individuals of European (non-Finnish) descent in gnomAD. At this time, the clinical significance of this variant is uncertain due to the absence of conclusive functional and genetic evidence.

Ambry Genetics
Classification: Uncertain significance for Inborn genetic diseases. Last evaluated: 2023-11-29. Review status: criteria provided, single submitter. Criteria: Ambry Variant Classification Scheme 2023. Collection method: clinical testing. Allele origin: germline.

Labcorp Genetics (formerly Invitae), Labcorp
Classification: Uncertain significance for Bardet-Biedl syndrome. Last evaluated: 2022-03-04. Review status: criteria provided, single submitter. Criteria: Invitae Variant Classification Sherloc (09022015). Collection method: clinical testing. Allele origin: germline.
Comment: This sequence change replaces leucine, which is neutral and non-polar, with valine, which is neutral and non-polar, at codon 431 of the WDPCP protein (p.Leu431Val). This variant is present in population databases (rs746549040, gnomAD 0.005%). This variant has not been reported in the literature in individuals affected with WDPCP-related conditions. ClinVar contains an entry for this variant (Variation ID: 1063474). Algorithms developed to predict the effect of missense changes on protein structure and function (SIFT, PolyPhen-2, Align-GVGD) all suggest that this variant is likely to be tolerated. Algorithms developed to predict the effect of sequence changes on RNA splicing suggest that this variant may create or strengthen a splice site. In summary, the available evidence is currently insufficient to determine the role of this variant in disease. Therefore, it has been classified as a Variant of Uncertain Significance.